The following is an entry in ClinVar:

NM_000260.4(MYO7A):c.3373G>T (p.Glu1125Ter)

Gene: MYO7A (myosin VIIA; plus strand). Cytogenetic location: 11q13.5.
Variant type: single nucleotide variant.
Coding change: c.3373G>T on transcript NM_000260.4 (MANE Select); coding-DNA position 3373, G replaced by T.
Protein change: p.Glu1125Ter; replaces glutamic acid 1125 with a stop codon.
Molecular consequence: nonsense.
Genome position (GRCh38, 1-based): chr11:77,183,155, G>T. VCF-style: chr11-77183155-G-T. GRCh37 (hg19) VCF-style: chr11-76894200-G-T.
Other names: c.3373G>T, p.Glu1125Ter (NM_001127180.2); c.3340G>T, p.Glu1114Ter (NM_001369365.1); short protein forms E1125*, E1114*.
Identifiers: ClinVar variation 5004508 (VCV005004508.1).

ClinVar aggregate classification (germline): Likely pathogenic (1 of 4 stars; one submission).

Conditions:
Usher syndrome type 1 (USH1). Also called: RETINITIS PIGMENTOSA AND CONGENITAL DEAFNESS. Identifiers: Orphanet 231169, Orphanet 886, MedGen C1568247, MONDO:0010168, OMIM 276900.

gnomAD v4.1: 1 of 1,551,712 alleles (0.000064%); highest among the groups gnomAD compares: Non-Finnish European, 0.000087%; no homozygotes.

Submission:

Myriad Genetics, Inc.
Classification: Likely pathogenic for Usher syndrome type 1. Last evaluated: 2026-03-03. Review status: criteria provided, single submitter. Criteria: Myriad Autosomal Dominant, Autosomal Recessive and X-Linked Classification Criteria (2023). Collection method: clinical testing. Allele origin: unknown.
Comment: NM_000260.3(MYO7A):c.3373G>T(E1125*) is a nonsense variant classified as likely pathogenic in the context of MYO7A-related disorders. E1125* has not been observed in cases with relevant disease. Relevant functional assessments of this variant are not available in the literature. E1125* has not been observed in referenced population frequency databases. In summary, NM_000260.3(MYO7A):c.3373G>T(E1125*) is a nonsense variant in a gene where loss of function is a known mechanism of disease and is predicted to disrupt protein function. Please note: this variant was assessed in the context of healthy population screening.